The following is an entry in ClinVar:

ClinVar aggregate classification (germline): Uncertain significance (1 of 4 stars; one submission).

Conditions:
Neuropathy, hereditary sensory, type 2C. Also called: KIF1A-Related HSAN2 (HSAN2C); Hereditary sensory and autonomic neuropathy type IIC. Identifiers: Orphanet 970, MedGen C3280168, MONDO:0013634, OMIM 614213.
Intellectual disability, autosomal dominant 9 (NESCAVS). Also called: NESCAV SYNDROME; KIF1A-Related Neurodevelopmental Disorder. Identifiers: Orphanet 662367, MedGen C5393830, MONDO:0013656, OMIM 614255.
Hereditary spastic paraplegia 30. Identifiers: Orphanet 101010, MedGen C5235139, MONDO:0012476.

Allele frequency attached by ClinVar (database versions not stated): gnomAD exomes below 0.00001.
gnomAD v4.1: 1 of 1,610,364 alleles (0.000062%); highest among the groups gnomAD compares: East Asian, 0.0022%; no homozygotes.

Submission:

Labcorp Genetics (formerly Invitae), Labcorp
Classification: Uncertain significance for Spastic paraplegia 30, autosomal recessive; Hereditary sensory and autonomic neuropathy type IIC; Intellectual disability, autosomal dominant 9. Last evaluated: 2019-10-14. Review status: criteria provided, single submitter. Criteria: Invitae Variant Classification Sherloc (09022015). Collection method: clinical testing. Allele origin: germline.
Comment: This sequence change falls in intron 22 of the KIF1A gene. It does not directly change the encoded amino acid sequence of the KIF1A protein, but it affects a nucleotide within the consensus splice site of the intron. This variant is not present in population databases (ExAC no frequency). This variant has not been reported in the literature in individuals with KIF1A-related conditions. Nucleotide substitutions within the consensus splice site are a relatively common cause of aberrant splicing (PMID: 17576681, 9536098). Algorithms developed to predict the effect of sequence changes on RNA splicing suggest that this variant may disrupt the consensus splice site, but this prediction has not been confirmed by published transcriptional studies. In summary, the available evidence is currently insufficient to determine the role of this variant in disease. Therefore, it has been classified as a Variant of Uncertain Significance.

NM_001244008.2(KIF1A):c.2265+5G>A

Gene: KIF1A (kinesin family member 1A; minus strand). Cytogenetic location: 2q37.3.
Variant type: single nucleotide variant.
Coding change: c.2265+5G>A on transcript NM_001244008.2 (MANE Select); 5 bases into the intron after coding-DNA position 2265, G replaced by A.
Molecular consequence: intron variant.
Genome position (GRCh38, 1-based): chr2:240,761,224, C>T on the plus strand (G>A on the coding strand, the complement: KIF1A is on the minus strand). VCF-style: chr2-240761224-C-T. GRCh37 (hg19) VCF-style: chr2-241700641-C-T.
Other names: c.2238+5G>A (NM_001379653.1, NM_001379650.1, NM_001379645.1 and 10 more transcripts); c.2340+5G>A (NM_001379635.1, NM_001330290.2, NM_001379646.1 and 2 more transcripts); c.2313+5G>A (NM_001379637.1, NM_001379648.1); c.2265+5G>A (NM_001320705.2, NM_001379638.1, NM_001330289.2).
Identifiers: ClinVar variation 936851 (VCV000936851.1), dbSNP rs2050490864, ClinGen allele CA1139657823.